The following is an entry in ClinVar:

NM_004187.5(KDM5C):c.4055A>C (p.Glu1352Ala)

Gene: KDM5C (lysine demethylase 5C; minus strand). Cytogenetic location: Xp11.22.
Variant type: single nucleotide variant.
Coding change: c.4055A>C on transcript NM_004187.5 (MANE Select); coding-DNA position 4055, A replaced by C.
Protein change: p.Glu1352Ala; replaces glutamic acid 1352 with alanine.
Molecular consequence: missense variant. On other transcripts: non-coding transcript variant (3).
Genome position (GRCh38, 1-based): chrX:53,193,835, T>G on the plus strand (A>C on the coding strand, the complement: KDM5C is on the minus strand). VCF-style: chrX-53193835-T-G. GRCh37 (hg19) VCF-style: chrX-53223017-T-G.
Other names: c.3854A>C, p.Glu1285Ala (NM_001146702.2); c.4052A>C, p.Glu1351Ala (NM_001282622.3, NM_001353979.2, NM_001353982.2); c.4055A>C, p.Glu1352Ala (NM_001353978.3, NM_001353981.2, NM_001353984.2); short protein forms E1285A, E1351A, E1352A.
Identifiers: ClinVar variation 3899604 (VCV003899604.1).
Genomic context (GRCh38, chrX:53,193,835, plus strand): 5'-CTCTTACCTGAGCCCTCCTCCGGGGCTACCTTCTCAGGACTGGTCACACTGTCTCCATTC[T>G]CCAGTAAGCCCTGGACCTGCGGAGGAGAGCAAGAATAGGTAGGGGCAACTGAAGTGAAGA-3'
Protein context (NP_004178.2, residues 1342-1362): KDMPKVQGLL[Glu1352Ala]NGDSVTSPEK

ClinVar aggregate classification (germline): Uncertain significance (1 of 4 stars; one submission).

Submission:

GeneDx
Classification: Uncertain significance. Last evaluated: 2024-11-11. Review status: criteria provided, single submitter. Criteria: GeneDx Variant Classification Process June 2021. Collection method: clinical testing. Allele origin: germline. Affected: yes.
Comment: Not observed at significant frequency in large population cohorts (gnomAD); In silico analysis indicates that this missense variant does not alter protein structure/function; Has not been previously published as pathogenic or benign to our knowledge